The following is an entry in ClinVar:

NC_000018.9:g.(21148787_21148962)del

Gene: NPC1 (NPC intracellular cholesterol transporter 1; minus strand).
Variant type: Deletion.
Identifiers: ClinVar variation 4880184 (VCV004880184.1).

ClinVar aggregate classification (germline): Likely pathogenic (1 of 4 stars; one submission).

Conditions:
Niemann-Pick disease, type C1. Also called: NEUROVISCERAL STORAGE DISEASE WITH VERTICAL SUPRANUCLEAR OPHTHALMOPLEGIA; NIEMANN-PICK DISEASE WITH CHOLESTEROL ESTERIFICATION BLOCK; NIEMANN-PICK DISEASE WITHOUT SPHINGOMYELINASE DEFICIENCY; NIEMANN-PICK DISEASE, CHRONIC NEURONOPATHIC FORM; NIEMANN-PICK DISEASE, VARIANT TYPE C1. Identifiers: Orphanet 646, MedGen C3179455, MONDO:0009757, OMIM 257220.

Submission:

Foundation for Research in Genetics and Endocrinology, FRIGE's Institute of Human Genetics
Classification: Likely pathogenic for Niemann-Pick disease, type C1. Last evaluated: 2022-12-26. Review status: criteria provided, single submitter. Criteria: ACMG Guidelines, 2015. Collection method: clinical testing. Allele origin: germline. Inheritance: Autosomal recessive inheritance. Affected: yes. Observed: 1 variant allele, 1 homozygote.
Comment: A homozygous deletion of 176 bases on chromosome 18 [chr18:g.(21148787_21148962)del] encompassing exon 4 of the NPC1 gene was detected. The identified variant has not been previously reported in the literature. Deletions encompassing the promoter region and exons 1-10 of the NPC1 gene have previously been reported in patients affected with Niemann-Pick type C disease (PMID:23142039).

Literature cited by the submitters: PubMed 23142039.